The following is an entry in ClinVar:

NM_007294.4(BRCA1):c.3653G>A (p.Ser1218Asn)

Genes: BRCA1 (BRCA1 DNA repair associated; minus strand), LOC126862571 (BRD4-independent group 4 enhancer GRCh37_chr17:41243136-41244335; plus strand). Cytogenetic location: 17q21.31.
Variant type: single nucleotide variant.
Coding change: c.3653G>A on transcript NM_007294.4 (MANE Select); coding-DNA position 3653, G replaced by A.
Protein change: p.Ser1218Asn; replaces serine 1218 with asparagine.
Molecular consequence: missense variant. On other transcripts: intron variant (135).
Genome position (GRCh38, 1-based): chr17:43,091,878, C>T on the plus strand (G>A on the coding strand, the complement: BRCA1 is on the minus strand). VCF-style: chr17-43091878-C-T. GRCh37 (hg19) VCF-style: chr17-41243895-C-T.
Other names: c.584-846G>A (NM_001408475.1); c.710-846G>A (NM_001408412.1, NM_001408409.1, NM_001408414.1 and 2 more transcripts); c.452-846G>A (NM_001408509.1, NM_001408508.1); c.575-846G>A (NM_001408491.1, NM_001408493.1, NM_001408490.1); c.461-846G>A (NM_001408506.1, NM_001408507.1); c.578-846G>A (NM_001408481.1, NM_001408480.1, NM_001408492.1 and 9 more transcripts); c.779-846G>A (NM_001408408.1); c.662-846G>A (NM_001408446.1, NM_001408448.1, NM_001408435.1 and 6 more transcripts); and 41 more; short protein forms S1218N, S1171N, S1151N, S1170N, S1177N, S350N, S922N, S1129N.
Identifiers: ClinVar variation 1046087 (VCV001046087.12), dbSNP rs2053549058, ClinGen allele CA10594666.
Genomic context (GRCh38, chr17:43,091,878, plus strand): 5'-GGTATATTGTTTACTTTACCAAATAACAAGTGTTGGAAGCAGGGAAGCTCTTCATCCTCA[C>T]TAGATAAGTTCTCTTCTGAGGACTCTAATTTCTTGGCCCCTCTTCGGTAACCCTGAGCCA-3'
Protein context (NP_009225.1, residues 1208-1228): KLESSEENLS[Ser1218Asn]EDEELPCFQH

ClinVar aggregate classification (germline): Conflicting classifications of pathogenicity. Review status: criteria provided, conflicting classifications (1 of 4 stars). 2 submissions from 2 submitters: Uncertain significance (1); Likely benign (1). Last evaluated 2023-03-23.

Conditions:
Hereditary cancer-predisposing syndrome. Also called: Hereditary Cancer Syndrome; Tumor predisposition; Hereditary neoplastic syndrome; Neoplastic Syndromes, Hereditary. Identifiers: Orphanet 140162, MedGen C0027672, MeSH D009386, MONDO:0015356.
Hereditary breast ovarian cancer syndrome. Also called: Hereditary breast and/or ovarian cancer syndrome; Hereditary breast and ovarian cancer syndrome; Hereditary breast and ovarian cancer syndrome (HBOC); Breast and ovarian cancer; Hereditary breast and ovarian cancer; BRCA1- and BRCA2-Associated Hereditary Breast and Ovarian Cancer. Identifiers: Orphanet 145, MedGen C0677776, MeSH D061325, MONDO:0003582. Disease mechanism: loss of function.

Submissions (2):

University of Washington Department of Laboratory Medicine, University of Washington
Classification: Likely benign for Hereditary cancer-predisposing syndrome. Last evaluated: 2023-03-23. Review status: criteria provided, single submitter. Criteria: Dines et al. (Genet Med. 2020). Collection method: curation. Allele origin: germline.
Comment: Missense variant in a coldspot region where missense variants are very unlikely to be pathogenic (PMID:31911673).

BRCA1 coldspot (exon 11 using historical exon numbering). Reclassification based on statistical prior probability

Labcorp Genetics (formerly Invitae), Labcorp
Classification: Uncertain significance for Hereditary breast ovarian cancer syndrome. Last evaluated: 2022-12-31. Review status: criteria provided, single submitter. Criteria: Invitae Variant Classification Sherloc (09022015). Collection method: clinical testing. Allele origin: germline.
Comment: In summary, the available evidence is currently insufficient to determine the role of this variant in disease. Therefore, it has been classified as a Variant of Uncertain Significance. Advanced modeling of protein sequence and biophysical properties (such as structural, functional, and spatial information, amino acid conservation, physicochemical variation, residue mobility, and thermodynamic stability) performed at Invitae indicates that this missense variant is not expected to disrupt BRCA1 protein function. ClinVar contains an entry for this variant (Variation ID: 1046087). This variant has not been reported in the literature in individuals affected with BRCA1-related conditions. This variant is not present in population databases (gnomAD no frequency). This sequence change replaces serine, which is neutral and polar, with asparagine, which is neutral and polar, at codon 1218 of the BRCA1 protein (p.Ser1218Asn).